The following is an entry in ClinVar:

ClinVar aggregate classification (germline): Benign/Likely benign. Review status: criteria provided, multiple submitters, no conflicts (2 of 4 stars). 4 submissions from 4 submitters: Benign (2); Likely benign (2). Last evaluated 2026-01-19.

Allele frequency attached by ClinVar (database versions not stated): 1000 Genomes Project 0.00319; 1000 Genomes Project 30x 0.00344; ESP Exome Variant Server 0.00753; gnomAD exomes 0.00985; ExAC 0.01008.

Submissions (4):

Labcorp Genetics (formerly Invitae), Labcorp
Classification: Benign. Last evaluated: 2026-01-19. Review status: criteria provided, single submitter. Criteria: Invitae Variant Classification Sherloc (09022015). Collection method: clinical testing. Allele origin: germline.

CeGaT Center for Human Genetics Tuebingen
Classification: Benign. Last evaluated: 2025-10-01. Review status: criteria provided, single submitter. Criteria: CeGaT Center For Human Genetics Tuebingen Variant Classification Criteria Version 2. Collection method: clinical testing. Allele origin: germline. Affected: yes. Observed: 4 variant alleles.
Comment: LHB: BP4, BS1, BS2

GeneDx
Classification: Likely benign. Last evaluated: 2021-03-25. Review status: criteria provided, single submitter. Criteria: GeneDx Variant Classification Process June 2021. Collection method: clinical testing. Allele origin: germline. Affected: yes.

Breakthrough Genomics
Classification: Likely benign. Review status: criteria provided, single submitter. Criteria: ACMG Guidelines, 2015. Collection method: not provided. Allele origin: germline. Inheritance: Autosomal recessive inheritance. Affected: yes.

NM_000894.3(LHB):c.45G>A (p.Met15Ile)

Gene: LHB (luteinizing hormone subunit beta; minus strand). Cytogenetic location: 19q13.33.
Variant type: single nucleotide variant.
Coding change: c.45G>A on transcript NM_000894.3 (MANE Select); coding-DNA position 45, G replaced by A.
Protein change: p.Met15Ile; replaces methionine 15 with isoleucine.
Molecular consequence: missense variant.
Genome position (GRCh38, 1-based): chr19:49,016,685, C>T on the plus strand (G>A on the coding strand, the complement: LHB is on the minus strand). VCF-style: chr19-49016685-C-T. GRCh37 (hg19) VCF-style: chr19-49519942-C-T.
Other names: short protein forms M15I.
Identifiers: ClinVar variation 1210598 (VCV001210598.37), dbSNP rs34247911, ClinGen allele CA9564421.